The following is an entry in ClinVar:

ClinVar aggregate classification (germline): Uncertain significance (1 of 4 stars; one submission).

Conditions:
Early-infantile DEE. Also called: Ohtahara syndrome; Early infantile epileptic encephalopathy; Early infantile epileptic encephalopathy with suppression bursts. Identifiers: Orphanet 1934, MedGen C0393706, MONDO:0800491.

Submission:

Labcorp Genetics (formerly Invitae), Labcorp
Classification: Uncertain significance for Early-infantile DEE. Last evaluated: 2022-11-23. Review status: criteria provided, single submitter. Criteria: Invitae Variant Classification Sherloc (09022015). Collection method: clinical testing. Allele origin: germline.
Comment: This sequence change replaces histidine, which is basic and polar, with tyrosine, which is neutral and polar, at codon 488 of the ARHGEF15 protein (p.His488Tyr). This variant is not present in population databases (gnomAD no frequency). This variant has not been reported in the literature in individuals affected with ARHGEF15-related conditions. Algorithms developed to predict the effect of missense changes on protein structure and function (SIFT, PolyPhen-2, Align-GVGD) all suggest that this variant is likely to be disruptive. In summary, the available evidence is currently insufficient to determine the role of this variant in disease. Therefore, it has been classified as a Variant of Uncertain Significance.

NM_173728.4(ARHGEF15):c.1462C>T (p.His488Tyr)

Gene: ARHGEF15 (Rho guanine nucleotide exchange factor 15; plus strand). Cytogenetic location: 17p13.1.
Variant type: single nucleotide variant.
Coding change: c.1462C>T on transcript NM_173728.4 (MANE Select); coding-DNA position 1462, C replaced by T.
Protein change: p.His488Tyr; replaces histidine 488 with tyrosine.
Molecular consequence: missense variant.
Genome position (GRCh38, 1-based): chr17:8,315,795, C>T. VCF-style: chr17-8315795-C-T. GRCh37 (hg19) VCF-style: chr17-8219113-C-T.
Other names: c.1462C>T, p.His488Tyr (NM_025014.2); short protein forms H488Y.
Identifiers: ClinVar variation 2888840 (VCV002888840.3), dbSNP rs147556222, ClinGen allele CA398020604.